The following is an entry in ClinVar:

ClinVar aggregate classification (germline): Uncertain significance. Review status: criteria provided, multiple submitters, no conflicts (2 of 4 stars). 5 submissions from 4 submitters: Uncertain significance (5). Last evaluated 2024-05-17.

Conditions:
RASopathy. Also called: rasopathies; Noonan spectrum disorder. Identifiers: Orphanet 536391, MedGen C5555857, MONDO:0021060.
Noonan syndrome 4 (NS4). Also called: SOS1-Related Noonan Syndrome; NOONAN SYNDROME WITH PIGMENTED VILLONODULAR SYNOVITIS. Identifiers: Orphanet 648, MedGen C1853120, MONDO:0012547, OMIM 610733.
Fibromatosis, gingival, 1 (GINGF1). Identifiers: Orphanet 2024, MedGen C4551558, MONDO:0007609, OMIM 135300.

Allele frequency attached by ClinVar (database versions not stated): gnomAD exomes below 0.00001 and 0.00001; ExAC 0.00001.
gnomAD v4.1: 3 of 1,612,538 alleles (0.00019%); highest among the groups gnomAD compares: East Asian, 0.0067%; no homozygotes.

Submissions (5):

Labcorp Genetics (formerly Invitae), Labcorp
Classification: Uncertain significance for RASopathy. Last evaluated: 2024-05-17. Review status: criteria provided, single submitter. Criteria: Invitae Variant Classification Sherloc (09022015). Collection method: clinical testing. Allele origin: germline.
Comment: This sequence change replaces aspartic acid, which is acidic and polar, with glutamic acid, which is acidic and polar, at codon 1177 of the SOS1 protein (p.Asp1177Glu). This variant is present in population databases (rs730881049, gnomAD 0.01%). This variant has not been reported in the literature in individuals affected with SOS1-related conditions. ClinVar contains an entry for this variant (Variation ID: 181555). Advanced modeling of protein sequence and biophysical properties (such as structural, functional, and spatial information, amino acid conservation, physicochemical variation, residue mobility, and thermodynamic stability) has been performed at Invitae for this missense variant, however the output from this modeling did not meet the statistical confidence thresholds required to predict the impact of this variant on SOS1 protein function. In summary, the available evidence is currently insufficient to determine the role of this variant in disease. Therefore, it has been classified as a Variant of Uncertain Significance.

Blueprint Genetics
Classification: Uncertain significance. Last evaluated: 2024-05-10. Review status: criteria provided, single submitter. Criteria: ACMG Guidelines, 2015. Collection method: clinical testing. Allele origin: germline.

GeneDx
Classification: Uncertain significance. Last evaluated: 2013-10-24. Review status: criteria provided, single submitter. Criteria: GeneDx Variant Classification (06012015). Collection method: clinical testing. Allele origin: germline. Affected: yes.
Comment: The D1177E missense substitution has not been published as a mutation, nor has it been reported as a benign polymorphism to our knowledge. D1177E is a conservative amino acid substitution with a negatively charged, polar residue (Asp) being replaced by another negatively charged, polar residue (Glu) at a position that is conserved across species. In silico analysis is inconsistent with regard to the effect this variant may have on the protein structure/function. The NHLBI ESP Exome Variant Server reports that D1177E was not observed in approximately 6,500 samples from individuals of European and African American backgrounds, indicating it is not a common benign variant in these populations. To date, there have been no disease associated mutations reported after codon Serine 1096 in SOS1. The vast majority of missense changes in SOS1 are pathogenic; however, a small number of missense polymorphisms have been identified in this gene. Therefore, the D1177E missense substitution is interpreted as a variant of unknown significance. The variant is found in NOONAN panel(s).

Genome-Nilou Lab
Classification: Uncertain significance for Noonan syndrome 4. Review status: criteria provided, single submitter. Criteria: ACMG Guidelines, 2015. Collection method: clinical testing. Allele origin: germline.

Genome-Nilou Lab
Classification: Uncertain significance for Fibromatosis, gingival, 1. Review status: criteria provided, single submitter. Criteria: ACMG Guidelines, 2015. Collection method: clinical testing. Allele origin: germline.

NM_005633.4(SOS1):c.3531C>A (p.Asp1177Glu)

Gene: SOS1 (SOS Ras/Rac guanine nucleotide exchange factor 1; minus strand). Cytogenetic location: 2p22.1.
Variant type: single nucleotide variant.
Coding change: c.3531C>A on transcript NM_005633.4 (MANE Select); coding-DNA position 3531, C replaced by A.
Protein change: p.Asp1177Glu; replaces aspartic acid 1177 with glutamic acid.
Molecular consequence: missense variant.
Genome position (GRCh38, 1-based): chr2:38,986,295, G>T on the plus strand (C>A on the coding strand, the complement: SOS1 is on the minus strand). VCF-style: chr2-38986295-G-T. GRCh37 (hg19) VCF-style: chr2-39213436-G-T.
Other names: p.D1177E:GAC>GAA; c.3510C>A, p.Asp1170Glu (NM_001382394.1); c.3486C>A, p.Asp1162Glu (NM_001382395.1); short protein forms D1177E, D1162E, D1170E.
Identifiers: ClinVar variation 181555 (VCV000181555.13), dbSNP rs730881049, ClinGen allele CA297280.